The following is an entry in ClinVar:

ClinVar aggregate classification (germline): Uncertain significance (1 of 4 stars; one submission).

Allele frequency attached by ClinVar (database versions not stated): gnomAD exomes below 0.00001.
gnomAD v4.1: 4 of 1,613,528 alleles (0.00025%); highest among the groups gnomAD compares: South Asian, 0.0011%; no homozygotes.

Submission:

Labcorp Genetics (formerly Invitae), Labcorp
Classification: Uncertain significance. Last evaluated: 2020-02-02. Review status: criteria provided, single submitter. Criteria: Invitae Variant Classification Sherloc (09022015). Collection method: clinical testing. Allele origin: germline.
Comment: In summary, the available evidence is currently insufficient to determine the role of this variant in disease. Therefore, it has been classified as a Variant of Uncertain Significance. The current clinical and genetic evidence is not sufficient to establish whether loss-of-function variants in SEMA4A cause disease. This variant has not been reported in the literature in individuals with SEMA4A-related conditions. This variant is not present in population databases (ExAC no frequency). This sequence change creates a premature translational stop signal (p.Arg521*) in the SEMA4A gene. It is expected to result in an absent or disrupted protein product.

NM_022367.4(SEMA4A):c.1561C>T (p.Arg521Ter)

Gene: SEMA4A (semaphorin 4A; plus strand). Cytogenetic location: 1q22.
Variant type: single nucleotide variant.
Coding change: c.1561C>T on transcript NM_022367.4 (MANE Select); coding-DNA position 1561, C replaced by T.
Protein change: p.Arg521Ter; replaces arginine 521 with a stop codon.
Molecular consequence: nonsense.
Genome position (GRCh38, 1-based): chr1:156,175,212, C>T. VCF-style: chr1-156175212-C-T. GRCh37 (hg19) VCF-style: chr1-156145003-C-T.
Other names: c.1561C>T, p.Arg521Ter (NM_001193300.2, NM_001193301.2, NM_001370567.1); c.1165C>T, p.Arg389Ter (NM_001193302.2); c.1264C>T, p.Arg422Ter (NM_001370568.1); c.1054C>T, p.Arg352Ter (NM_001370569.1, NM_001370571.1); short protein forms R352*, R389*, R422*, R521*.
Identifiers: ClinVar variation 1025862 (VCV001025862.7), dbSNP rs199580400, ClinGen allele CA31003014.